The following is an entry in ClinVar:

ClinVar aggregate classification (germline): Uncertain significance. Review status: criteria provided, multiple submitters, no conflicts (2 of 4 stars). 2 submissions from 2 submitters: Uncertain significance (2). Last evaluated 2025-10-03.

Allele frequency attached by ClinVar (database versions not stated): gnomAD exomes below 0.00001; TOPMed below 0.00001; ExAC 0.00001; gnomAD 0.00001.

Submissions (2):

Labcorp Genetics (formerly Invitae), Labcorp
Classification: Uncertain significance. Last evaluated: 2025-10-03. Review status: criteria provided, single submitter. Criteria: Invitae Variant Classification Sherloc (09022015). Collection method: clinical testing. Allele origin: germline.
Comment: This sequence change replaces aspartic acid, which is acidic and polar, with glycine, which is neutral and non-polar, at codon 270 of the ADGRA3 protein (p.Asp270Gly). This variant is present in population databases (rs760467942, gnomAD 0.02%). This variant has not been reported in the literature in individuals affected with ADGRA3-related conditions. ClinVar contains an entry for this variant (Variation ID: 2796070). An algorithm developed to predict the effect of missense changes on protein structure and function (PolyPhen-2) suggests that this variant is likely to be disruptive. In summary, the available evidence is currently insufficient to determine the role of this variant in disease. Therefore, it has been classified as a Variant of Uncertain Significance.

Ambry Genetics
Classification: Uncertain significance. Last evaluated: 2024-03-16. Review status: criteria provided, single submitter. Criteria: Ambry Variant Classification Scheme 2023. Collection method: clinical testing. Allele origin: germline.

NM_145290.4(ADGRA3):c.809A>G (p.Asp270Gly)

Gene: ADGRA3 (adhesion G protein-coupled receptor A3; minus strand). Cytogenetic location: 4p15.2.
Variant type: single nucleotide variant.
Coding change: c.809A>G on transcript NM_145290.4 (MANE Select); coding-DNA position 809, A replaced by G.
Protein change: p.Asp270Gly; replaces aspartic acid 270 with glycine.
Molecular consequence: missense variant.
Genome position (GRCh38, 1-based): chr4:22,442,761, T>C on the plus strand (A>G on the coding strand, the complement: ADGRA3 is on the minus strand). VCF-style: chr4-22442761-T-C. GRCh37 (hg19) VCF-style: chr4-22444384-T-C.
Other names: c.809A>G (NM_145290.2); short protein forms D270G.
Identifiers: ClinVar variation 2796070 (VCV002796070.4), dbSNP rs760467942, ClinGen allele CA2874130.